The following is an entry in ClinVar:

ClinVar aggregate classification (germline): Likely benign. Review status: criteria provided, multiple submitters, no conflicts (2 of 4 stars). 2 submissions from 2 submitters: Likely benign (2). Last evaluated 2025-12-24.

Conditions:
SLC26A1-related disorder. Also called: SLC26A1-related condition.

Allele frequency attached by ClinVar (database versions not stated): ExAC 0.00122; ESP Exome Variant Server 0.00172; gnomAD 0.00175; TOPMed 0.00221; 1000 Genomes Project 0.00260; 1000 Genomes Project 30x 0.00265.
gnomAD v4.1: 567 of 1,568,882 alleles (0.036%); highest among the groups gnomAD compares: African/African-American, 0.63%; 1 homozygote.

Submissions (2):

Labcorp Genetics (formerly Invitae), Labcorp
Classification: Likely benign. Last evaluated: 2025-12-24. Review status: criteria provided, single submitter. Criteria: Invitae Variant Classification Sherloc (09022015). Collection method: clinical testing. Allele origin: germline.

PreventionGenetics, part of Exact Sciences
Classification: Likely benign for SLC26A1-related condition. Last evaluated: 2024-12-03. Review status: criteria provided, single submitter. Criteria: ACMG Guidelines, 2015. Collection method: clinical testing. Allele origin: germline.
Comment: This variant is classified as likely benign based on ACMG/AMP sequence variant interpretation guidelines (Richards et al. 2015 PMID: 25741868, with internal and published modifications).

NM_022042.4(SLC26A1):c.1153G>A (p.Val385Met)

Genes: IDUA (alpha-L-iduronidase; plus strand), SLC26A1 (solute carrier family 26 member 1; minus strand). Cytogenetic location: 4p16.3.
Variant type: single nucleotide variant.
Coding change: c.1153G>A on transcript NM_022042.4 (MANE Select); coding-DNA position 1153, G replaced by A.
Protein change: p.Val385Met; replaces valine 385 with methionine.
Molecular consequence: missense variant. On other transcripts: intron variant (2).
Genome position (GRCh38, 1-based): chr4:989,786, C>T on the plus strand (G>A on the coding strand, the complement: SLC26A1 is on the minus strand). VCF-style: chr4-989786-C-T. GRCh37 (hg19) VCF-style: chr4-983574-C-T.
Other names: c.1153G>A, p.Val385Met (NM_213613.4); c.576+1342G>A (NM_134425.4); c.299+1837C>T (NM_000203.5); c.1153G>A (NM_022042.3); short protein forms V385M.
Identifiers: ClinVar variation 2052054 (VCV002052054.5), dbSNP rs146487540, ClinGen allele CA2801452.